The following is an entry in ClinVar:

ClinVar aggregate classification (germline): Conflicting classifications of pathogenicity. Review status: criteria provided, conflicting classifications (1 of 4 stars). 7 submissions from 7 submitters: Uncertain significance (6); Likely benign (1). Last evaluated 2026-08-21.

Conditions:
Familial dysautonomia. Also called: HSAN III; FD. Identifiers: Orphanet 1764, MedGen C0013364, MONDO:0009131, OMIM 223900. Disease mechanism: loss of function.
Medulloblastoma (MDB). Also called: MEDULLOBLASTOMA PREDISPOSITION SYNDROME; Medulloblastoma, somatic. Identifiers: Orphanet 616, MedGen C0025149, MeSH D008527, MONDO:0007959, OMIM 155255, HP:0002885.
ELP1-related disorder. Also called: ELP1-related condition.

Allele frequency attached by ClinVar (database versions not stated): gnomAD 0.00012 and 0.00014; TOPMed 0.00013; ESP Exome Variant Server 0.00023; gnomAD exomes 0.00030; ExAC 0.00053.
gnomAD v4.1: 319 of 1,614,036 alleles (0.02%); highest among the groups gnomAD compares: Non-Finnish European, 0.023%; no homozygotes.

Submissions (7):

Myriad Genetics, Inc.
Classification: Uncertain significance for Familial dysautonomia. Last evaluated: 2026-08-21. Review status: criteria provided, single submitter. Criteria: Myriad Autosomal Dominant, Autosomal Recessive and X-Linked Classification Criteria (2023). Collection method: clinical testing. Allele origin: unknown.
Comment: NM_003640.3(ELP1):c.3417G>C(L1139F) is a missense variant classified as a variant of uncertain significance in the context of familial dysautonomia. L1139F has not been observed in cases with relevant disease. Relevant functional assessments of this variant are not available in the literature. L1139F has been observed in referenced population frequency databases. In summary, there is insufficient evidence to classify NM_003640.3(ELP1):c.3417G>C(L1139F) as pathogenic or benign. Please note: this variant was assessed in the context of healthy population screening.

GeneDx
Classification: Uncertain significance. Last evaluated: 2025-12-22. Review status: criteria provided, single submitter. Criteria: GeneDx Variant Classification Process June 2021. Collection method: clinical testing. Allele origin: germline. Affected: yes.
Comment: In silico analysis suggests that this missense variant does not alter protein structure/function; Has not been previously published as pathogenic or benign to our knowledge

PreventionGenetics, part of Exact Sciences
Classification: Likely benign for ELP1-related condition. Last evaluated: 2025-11-25. Review status: criteria provided, single submitter. Criteria: ACMG Guidelines, 2015. Collection method: clinical testing. Allele origin: germline.
Comment: This variant is classified as likely benign based on ACMG/AMP sequence variant interpretation guidelines (Richards et al. 2015 PMID: 25741868, with internal and published modifications).

Fulgent Genetics
Classification: Uncertain significance for Medulloblastoma; Familial dysautonomia. Last evaluated: 2024-06-05. Review status: criteria provided, single submitter. Criteria: ACMG Guidelines, 2015. Collection method: clinical testing. Allele origin: germline.

Labcorp Genetics (formerly Invitae), Labcorp
Classification: Uncertain significance. Last evaluated: 2022-08-05. Review status: criteria provided, single submitter. Criteria: Invitae Variant Classification Sherloc (09022015). Collection method: clinical testing. Allele origin: germline.
Comment: This sequence change replaces leucine, which is neutral and non-polar, with phenylalanine, which is neutral and non-polar, at codon 1139 of the ELP1 protein (p.Leu1139Phe). This variant is present in population databases (rs202080366, gnomAD 0.05%). This variant has not been reported in the literature in individuals affected with ELP1-related conditions. ClinVar contains an entry for this variant (Variation ID: 455965). Algorithms developed to predict the effect of missense changes on protein structure and function (SIFT, PolyPhen-2, Align-GVGD) all suggest that this variant is likely to be tolerated. In summary, the available evidence is currently insufficient to determine the role of this variant in disease. Therefore, it has been classified as a Variant of Uncertain Significance.

Ambry Genetics
Classification: Uncertain significance. Last evaluated: 2022-04-07. Review status: criteria provided, single submitter. Criteria: Ambry Variant Classification Scheme 2023. Collection method: clinical testing. Allele origin: germline.

Mayo Clinic Laboratories, Mayo Clinic
Classification: Uncertain significance. Last evaluated: 2021-04-16. Review status: criteria provided, single submitter. Criteria: ACMG Guidelines, 2015. Collection method: clinical testing. Allele origin: germline.

NM_003640.5(ELP1):c.3417G>C (p.Leu1139Phe)

Gene: ELP1 (elongator acetyltransferase complex subunit 1; minus strand). Cytogenetic location: 9q31.3.
Variant type: single nucleotide variant.
Coding change: c.3417G>C on transcript NM_003640.5 (MANE Select); coding-DNA position 3417, G replaced by C.
Protein change: p.Leu1139Phe; replaces leucine 1139 with phenylalanine.
Molecular consequence: missense variant.
Genome position (GRCh38, 1-based): chr9:108,880,095, C>G on the plus strand (G>C on the coding strand, the complement: ELP1 is on the minus strand). VCF-style: chr9-108880095-C-G. GRCh37 (hg19) VCF-style: chr9-111642375-C-G.
Other names: p.Leu1139Phe; c.3417G>C (LRG_251t1); c.3075G>C, p.Leu1025Phe (NM_001318360.2); c.2370G>C, p.Leu790Phe (NM_001330749.2); short protein forms L1139F, L790F, L1025F.
Identifiers: ClinVar variation 455965 (VCV000455965.15), dbSNP rs202080366, ClinGen allele CA5174314.